The following is an entry in ClinVar:

ClinVar aggregate classification (germline): Uncertain significance. Review status: criteria provided, multiple submitters, no conflicts (2 of 4 stars). 3 submissions from 3 submitters: Uncertain significance (3). Last evaluated 2025-04-13.

Conditions:
Inborn genetic diseases. Identifiers: MedGen C0950123, MeSH D030342.
Phosphoenolpyruvate carboxykinase deficiency, cytosolic (PCKDC). Also called: PCK1 DEFICIENCY, CYTOSOLIC; PEPCK DEFICIENCY, CYTOSOLIC. Identifiers: Orphanet 2880, MedGen C5574905, MONDO:0009866, OMIM 261680.

Allele frequency attached by ClinVar (database versions not stated): gnomAD 0.00014 and 0.00015; ESP Exome Variant Server 0.00015; TOPMed 0.00012.

Submissions (3):

Ambry Genetics
Classification: Uncertain significance for Inborn genetic diseases. Last evaluated: 2025-04-13. Review status: criteria provided, single submitter. Criteria: Ambry Variant Classification Scheme 2023. Collection method: clinical testing. Allele origin: germline.

Labcorp Genetics (formerly Invitae), Labcorp
Classification: Uncertain significance. Last evaluated: 2021-05-13. Review status: criteria provided, single submitter. Criteria: Invitae Variant Classification Sherloc (09022015). Collection method: clinical testing. Allele origin: germline.
Comment: In summary, the available evidence is currently insufficient to determine the role of this variant in disease. Therefore, it has been classified as a Variant of Uncertain Significance. Algorithms developed to predict the effect of missense changes on protein structure and function are either unavailable or do not agree on the potential impact of this missense change (SIFT: "Deleterious"; PolyPhen-2: "Probably Damaging"; Align-GVGD: "Class C0"). This variant has not been reported in the literature in individuals with PCK1-related conditions. ClinVar contains an entry for this variant (Variation ID: 895814). This variant is present in population databases (rs139125510, ExAC 0.006%). This sequence change replaces leucine with phenylalanine at codon 193 of the PCK1 protein (p.Leu193Phe). The leucine residue is highly conserved and there is a small physicochemical difference between leucine and phenylalanine.

Illumina Laboratory Services, Illumina
Classification: Uncertain significance for Phosphoenolpyruvate carboxykinase deficiency, cytosolic. Last evaluated: 2018-01-13. Review status: criteria provided, single submitter. Criteria: ICSL Variant Classification Criteria 13 December 2019. Collection method: clinical testing. Allele origin: germline.

NM_002591.4(PCK1):c.577C>T (p.Leu193Phe)

Gene: PCK1 (phosphoenolpyruvate carboxykinase 1; plus strand). Cytogenetic location: 20q13.31.
Variant type: single nucleotide variant.
Coding change: c.577C>T on transcript NM_002591.4 (MANE Select); coding-DNA position 577, C replaced by T.
Protein change: p.Leu193Phe; replaces leucine 193 with phenylalanine.
Molecular consequence: missense variant.
Genome position (GRCh38, 1-based): chr20:57,562,866, C>T. VCF-style: chr20-57562866-C-T. GRCh37 (hg19) VCF-style: chr20-56137922-C-T.
Other names: short protein forms L193F.
Identifiers: ClinVar variation 895814 (VCV000895814.11), dbSNP rs139125510, ClinGen allele CA9922064.